The following is an entry in ClinVar:

ClinVar aggregate classification (germline): Likely pathogenic (1 of 4 stars; one submission).

Conditions:
Cutis laxa, autosomal dominant 1 (ADCL1). Also called: ELN-Related Cutis Laxa. Identifiers: Orphanet 90348, MedGen C3276539, MONDO:0007411, OMIM 123700. Disease mechanism: Dominant Negative.

Submission:

3billion
Classification: Likely pathogenic for Cutis laxa, autosomal dominant 1. Last evaluated: 2025-07-28. Review status: criteria provided, single submitter. Criteria: ACMG Guidelines, 2015. Collection method: clinical testing. Allele origin: germline. Affected: yes.
Comment: The variant is not observed in the gnomAD v4.1.0 dataset. Predicted Consequence/Location: Frameshift: predicted to result in a loss or disruption of normal protein function through nonsense-mediated decay (NMD) or protein truncation. Multiple pathogenic variants are reported downstream of the variant. Therefore, this variant is classified as Likely pathogenic according to the recommendation of ACMG/AMP guideline.

NM_000501.4(ELN):c.1958del (p.Gly653fs)

Gene: ELN (elastin; plus strand). Cytogenetic location: 7q11.23.
Variant type: Deletion.
Coding change: c.1958del on transcript NM_000501.4 (MANE Select); coding-DNA position 1958, one base deleted (G; older notation c.1958delG).
Protein change: p.Gly653fs; shifts the reading frame from glycine 653.
Molecular consequence: frameshift variant.
Genome position (GRCh38, 1-based): chr7:74,063,660, G deleted; the last of 2 consecutive G bases (chr7:74,063,659-74,063,660); deleting either gives the same sequence. VCF-style (leftmost placement, unchanged base first): chr7-74063658-CG-C. GRCh37 (hg19) VCF-style: chr7-73477988-CG-C.
Other names: c.1871del, p.Gly624fs (NM_001081752.3); c.1916del, p.Gly639fs (NM_001081753.3); c.1973del, p.Gly658fs (NM_001081754.3); c.1901del, p.Gly634fs (NM_001081755.3); c.1958del, p.Gly653fs (NM_001278912.2); c.1715del, p.Gly572fs (NM_001278913.2); c.1886del, p.Gly629fs (NM_001278914.2); c.1976del, p.Gly659fs (NM_001278915.2); and 4 more; short protein forms G564fs, G572fs, G605fs, G624fs, G629fs, G634fs, G639fs, G643fs.
Identifiers: ClinVar variation 4855329 (VCV004855329.1).